The following is an entry in ClinVar:

NM_000292.3(PHKA2):c.3313C>T (p.Leu1105Phe)

Gene: PHKA2 (phosphorylase kinase regulatory subunit alpha 2; minus strand). Cytogenetic location: Xp22.13.
Variant type: single nucleotide variant.
Coding change: c.3313C>T on transcript NM_000292.3 (MANE Select); coding-DNA position 3313, C replaced by T.
Protein change: p.Leu1105Phe; replaces leucine 1105 with phenylalanine.
Molecular consequence: missense variant.
Genome position (GRCh38, 1-based): chrX:18,895,161, G>A on the plus strand (C>T on the coding strand, the complement: PHKA2 is on the minus strand). VCF-style: chrX-18895161-G-A. GRCh37 (hg19) VCF-style: chrX-18913279-G-A.
Other names: short protein forms L1105F.
Identifiers: ClinVar variation 2226546 (VCV002226546.5), dbSNP rs139033266, ClinGen allele CA10361349.

ClinVar aggregate classification (germline): Uncertain significance. Review status: criteria provided, multiple submitters, no conflicts (2 of 4 stars). 3 submissions from 3 submitters: Uncertain significance (3). Last evaluated 2025-06-17.

Conditions:
Glycogen storage disease IXa1. Also called: GLYCOGEN STORAGE DISEASE VIII; GSD VIII; Glycogen storage disease 8; LIVER GLYCOGENOSIS, X-LINKED, TYPE I. Identifiers: Orphanet 264580, MedGen C3694531, MONDO:0010598, OMIM 306000.
Inborn genetic diseases. Identifiers: MedGen C0950123, MeSH D030342.

Allele frequency attached by ClinVar (database versions not stated): ExAC 0.00002; gnomAD exomes 0.00002; gnomAD 0.00003; TOPMed 0.00008; ESP Exome Variant Server 0.00019.
gnomAD v4.1: 25 of 1,209,341 alleles (0.0021%); highest among the groups gnomAD compares: Middle Eastern, 0.023%; no homozygotes.

Submissions (3):

Labcorp Genetics (formerly Invitae), Labcorp
Classification: Uncertain significance for Glycogen storage disease IXa1. Last evaluated: 2025-06-17. Review status: criteria provided, single submitter. Criteria: Invitae Variant Classification Sherloc (09022015). Collection method: clinical testing. Allele origin: germline.
Comment: This sequence change replaces leucine, which is neutral and non-polar, with phenylalanine, which is neutral and non-polar, at codon 1105 of the PHKA2 protein (p.Leu1105Phe). This variant is present in population databases (rs139033266, gnomAD 0.02%). This variant has not been reported in the literature in individuals affected with PHKA2-related conditions. ClinVar contains an entry for this variant (Variation ID: 2226546). Invitae Evidence Modeling of protein sequence and biophysical properties (such as structural, functional, and spatial information, amino acid conservation, physicochemical variation, residue mobility, and thermodynamic stability) has been performed for this missense variant. However, the output from this modeling did not meet the statistical confidence thresholds required to predict the impact of this variant on PHKA2 protein function. In summary, the available evidence is currently insufficient to determine the role of this variant in disease. Therefore, it has been classified as a Variant of Uncertain Significance.

GeneDx
Classification: Uncertain significance. Last evaluated: 2023-09-01. Review status: criteria provided, single submitter. Criteria: GeneDx Variant Classification Process June 2021. Collection method: clinical testing. Allele origin: germline. Affected: yes.
Comment: In silico analysis supports that this missense variant has a deleterious effect on protein structure/function; Has not been previously published as pathogenic or benign to our knowledge

Ambry Genetics
Classification: Uncertain significance for Inborn genetic diseases. Last evaluated: 2020-11-23. Review status: criteria provided, single submitter. Criteria: Ambry Variant Classification Scheme 2023. Collection method: clinical testing. Allele origin: germline.